The following is an entry in ClinVar:

NM_000038.6(APC):c.3186A>C (p.Gln1062His)

Gene: APC (APC regulator of Wnt signaling pathway; plus strand). Cytogenetic location: 5q22.2.
Variant type: single nucleotide variant.
Coding change: c.3186A>C on transcript NM_000038.6 (MANE Select); coding-DNA position 3186, A replaced by C.
Protein change: p.Gln1062His; replaces glutamine 1062 with histidine.
Molecular consequence: missense variant.
Genome position (GRCh38, 1-based): chr5:112,838,780, A>C. VCF-style: chr5-112838780-A-C. GRCh37 (hg19) VCF-style: chr5-112174477-A-C.
Other names: c.3186A>C, p.Gln1062His (NM_001127510.3, NM_001354895.2); c.3132A>C, p.Gln1044His (NM_001127511.3); c.3240A>C, p.Gln1080His (NM_001354896.2); c.3216A>C, p.Gln1072His (NM_001354897.2); c.3111A>C, p.Gln1037His (NM_001354898.2); c.3102A>C, p.Gln1034His (NM_001354899.2); c.3063A>C, p.Gln1021His (NM_001354900.2); c.3009A>C, p.Gln1003His (NM_001354901.2); and 5 more; short protein forms Q1044H, Q1062H, Q1003H, Q1072H, Q779H, Q971H, Q1021H, Q902H.
Identifiers: ClinVar variation 537442 (VCV000537442.12), dbSNP rs1554084821, ClinGen allele CA16028318.

ClinVar aggregate classification (germline): Uncertain significance. Review status: criteria provided, multiple submitters, no conflicts (2 of 4 stars). 2 submissions from 2 submitters: Uncertain significance (2). Last evaluated 2022-01-19.

Conditions:
Hereditary cancer-predisposing syndrome. Also called: Tumor predisposition; Hereditary Cancer Syndrome; Hereditary neoplastic syndrome; Neoplastic Syndromes, Hereditary. Identifiers: Orphanet 140162, MedGen C0027672, MeSH D009386, MONDO:0015356.
Familial adenomatous polyposis 1 (FAP1). Also called: FAMILIAL ADENOMATOUS POLYPOSIS 1, ATTENUATED; POLYPOSIS, ADENOMATOUS INTESTINAL. Identifiers: MedGen C2713442, MONDO:0021056, OMIM 175100. Disease mechanism: loss of function.

Submissions (2):

Ambry Genetics
Classification: Uncertain significance for Hereditary cancer-predisposing syndrome. Last evaluated: 2022-01-19. Review status: criteria provided, single submitter. Criteria: Ambry Variant Classification Scheme 2023. Collection method: clinical testing. Allele origin: germline.
Comment: The p.Q1062H variant (also known as c.3186A>C), located in coding exon 15 of the APC gene, results from an A to C substitution at nucleotide position 3186. The glutamine at codon 1062 is replaced by histidine, an amino acid with highly similar properties. This amino acid position is conserved. In addition, in silico predictors for this gene do not accurately predict pathogenicity. Since supporting evidence is limited at this time, the clinical significance of this alteration remains unclear.

Labcorp Genetics (formerly Invitae), Labcorp
Classification: Uncertain significance for Familial adenomatous polyposis 1. Last evaluated: 2017-11-03. Review status: criteria provided, single submitter. Criteria: Invitae Variant Classification Sherloc (09022015). Collection method: clinical testing. Allele origin: germline.
Comment: In summary, the available evidence is currently insufficient to determine the role of this variant in disease. Therefore, it has been classified as a Variant of Uncertain Significance. Algorithms developed to predict the effect of missense changes on protein structure and function output the following: SIFT: "Tolerated"; PolyPhen-2: "Benign"; Align-GVGD: "Class C0". The histidine amino acid residue is found in multiple mammalian species, suggesting that this missense change does not adversely affect protein function. These predictions have not been confirmed by published functional studies and their clinical significance is uncertain. This variant has not been reported in the literature in individuals with APC-related disease. This variant is not present in population databases (ExAC no frequency). This sequence change replaces glutamine with histidine at codon 1062 of the APC protein (p.Gln1062His). The glutamine residue is moderately conserved and there is a small physicochemical difference between glutamine and histidine.